The following is an entry in ClinVar:

ClinVar aggregate classification (germline): Pathogenic (1 of 4 stars; one submission).

Submission:

Labcorp Genetics (formerly Invitae), Labcorp
Classification: Pathogenic. Last evaluated: 2023-10-06. Review status: criteria provided, single submitter. Criteria: Invitae Variant Classification Sherloc (09022015). Collection method: clinical testing. Allele origin: germline.
Comment: This sequence change creates a premature translational stop signal (p.Glu1204*) in the ZNF469 gene. While this is not anticipated to result in nonsense mediated decay, it is expected to disrupt the last 2722 amino acid(s) of the ZNF469 protein. This variant is not present in population databases (gnomAD no frequency). This variant has not been reported in the literature in individuals affected with ZNF469-related conditions. This variant disrupts a region of the ZNF469 protein in which other variant(s) (p.Pro3556Glnfs*136) have been determined to be pathogenic (PMID: 32671420). This suggests that this is a clinically significant region of the protein, and that variants that disrupt it are likely to be disease-causing. For these reasons, this variant has been classified as Pathogenic.

Literature cited by the submitters: PubMed 32671420.

NM_001367624.2(ZNF469):c.3694G>T (p.Glu1232Ter)

Gene: ZNF469 (zinc finger protein 469; plus strand). Cytogenetic location: 16q24.2.
Variant type: single nucleotide variant.
Coding change: c.3694G>T on transcript NM_001367624.2 (MANE Select); coding-DNA position 3694, G replaced by T.
Protein change: p.Glu1232Ter; replaces glutamic acid 1232 with a stop codon.
Molecular consequence: nonsense.
Genome position (GRCh38, 1-based): chr16:88,431,164, G>T. VCF-style: chr16-88431164-G-T. GRCh37 (hg19) VCF-style: chr16-88497572-G-T.
Other names: short protein forms E1232*.
Identifiers: ClinVar variation 2831801 (VCV002831801.3), dbSNP rs1349347394, ClinGen allele CA397086238.